The following is an entry in ClinVar:

ClinVar aggregate classification (germline): Uncertain significance (1 of 4 stars; one submission).

Allele frequency attached by ClinVar (database versions not stated): ExAC 0.00001.

Submission:

Labcorp Genetics (formerly Invitae), Labcorp
Classification: Uncertain significance. Last evaluated: 2022-08-19. Review status: criteria provided, single submitter. Criteria: Invitae Variant Classification Sherloc (09022015). Collection method: clinical testing. Allele origin: germline.
Comment: The frequency data for this variant in the population databases is considered unreliable, as metrics indicate poor data quality at this position in the gnomAD database. In summary, the available evidence is currently insufficient to determine the role of this variant in disease. Therefore, it has been classified as a Variant of Uncertain Significance. Algorithms developed to predict the effect of missense changes on protein structure and function are either unavailable or do not agree on the potential impact of this missense change (SIFT: "Deleterious"; PolyPhen-2: "Not Available"; Align-GVGD: "Class C65"). This variant has not been reported in the literature in individuals affected with SNRPB-related conditions. This sequence change replaces proline, which is neutral and non-polar, with serine, which is neutral and polar, at codon 232 of the SNRPB protein (p.Pro232Ser).

NM_003091.4(SNRPB):c.*144C>T

Gene: SNRPB (small nuclear ribonucleoprotein polypeptides B and B1; minus strand). Cytogenetic location: 20p13.
Variant type: single nucleotide variant.
Coding change: c.*144C>T on transcript NM_003091.4 (MANE Select); 144 bases downstream of the stop codon, C replaced by T.
Molecular consequence: 3 prime UTR variant. On other transcripts: missense variant (1).
Genome position (GRCh38, 1-based): chr20:2,461,785, G>A on the plus strand (C>T on the coding strand, the complement: SNRPB is on the minus strand). VCF-style: chr20-2461785-G-A. GRCh37 (hg19) VCF-style: chr20-2442431-G-A.
Other names: c.694C>T, p.Pro232Ser (NM_198216.2); short protein forms P232S.
Identifiers: ClinVar variation 1898711 (VCV001898711.5), dbSNP rs770663780, ClinGen allele CA9732323.
Genomic context (GRCh38, chr20:2,461,785, plus strand): 5'-AGGCAGGGAGCTGAGGAGGGCCAAGATGAGTCTAGGGCCTTGGTGGGCGCATTCCCGGGG[G>A]AGGGGGCCCTGTAAGGGAAACCAGACAATCCCATGAGACTCCACGAACAACAGCATAAGA-3'